The following is an entry in ClinVar:

NM_000051.4(ATM):c.8079AGG[1] (p.Gly2695del)

Genes: ATM (ATM serine/threonine kinase; plus strand), C11orf65 (chromosome 11 open reading frame 65; minus strand). Cytogenetic location: 11q22.3.
Variant type: Microsatellite.
Coding change: c.8079AGG[1] on transcript NM_000051.4 (MANE Select); one copy of the 3-base unit AGG starting at c.8079; the reference has two copies in a row; one copy, 3 bases deleted; also written c.8082_8084del.
Protein change: p.Gly2695del; deletes glycine 2695.
Molecular consequence: inframe deletion. On other transcripts: intron variant (2), inframe indel (2).
Genome position (GRCh38, 1-based): chr11:108,335,040-108,335,042, AGG deleted; deleting any 3 consecutive bases within chr11:108,335,037-108,335,042 gives the same sequence; the position shown is the placement nearest the transcript's 3' end. VCF-style (leftmost placement, unchanged base first): chr11-108335036-CAGG-C. GRCh37 (hg19) VCF-style: chr11-108205763-CAGG-C.
Other names: c.8082_8084del (NM_000051.4, NM_000051.3); c.8079AGG[1], p.Gly2695del (NM_001351834.2); c.641-25968_641-25966del (NM_001330368.2); c.*38+181_*38+183del (NM_001351110.2); c.8082_8084delAGG (NM_000051.3); short protein forms G2695del.
Identifiers: ClinVar variation 566595 (VCV000566595.25), dbSNP rs1565540828, ClinGen allele CA645598125.

ClinVar aggregate classification (germline): Uncertain significance. Review status: criteria provided, multiple submitters, no conflicts (2 of 4 stars). 4 submissions from 4 submitters: Uncertain significance (3). 1 of the submissions does not count toward it. Last evaluated 2025-10-21.

Conditions:
Hereditary cancer-predisposing syndrome. Also called: Hereditary Cancer Syndrome; Neoplastic Syndromes, Hereditary; Tumor predisposition; Hereditary neoplastic syndrome. Identifiers: Orphanet 140162, MedGen C0027672, MeSH D009386, MONDO:0015356.
Ataxia-telangiectasia syndrome (AT). Also called: Cerebello-oculocutaneous telangiectasia; Immunodeficiency with ataxia telangiectasia; Ataxia-telangiectasia, complementation group E; Ataxia-telangiectasia, complementation group D; AT, COMPLEMENTATION GROUP C; ATAXIA-TELANGIECTASIA, COMPLEMENTATION GROUP A. Identifiers: Orphanet 100, MedGen C0004135, MONDO:0008840, OMIM 208900.

Submissions (4):

Labcorp Genetics (formerly Invitae), Labcorp
Classification: Uncertain significance for Ataxia-telangiectasia syndrome. Last evaluated: 2025-10-21. Review status: criteria provided, single submitter. Criteria: Invitae Variant Classification Sherloc (09022015). Collection method: clinical testing. Allele origin: germline.
Comment: This variant, c.8082_8084del, results in the deletion of 1 amino acid(s) of the ATM protein (p.Gly2695del), but otherwise preserves the integrity of the reading frame. This variant is not present in population databases (gnomAD no frequency). This variant has not been reported in the literature in individuals affected with ATM-related conditions. ClinVar contains an entry for this variant (Variation ID: 566595). Experimental studies and prediction algorithms are not available or were not evaluated, and the functional significance of this variant is currently unknown. In summary, the available evidence is currently insufficient to determine the role of this variant in disease. Therefore, it has been classified as a Variant of Uncertain Significance.

Ambry Genetics
Classification: Uncertain significance for Hereditary cancer-predisposing syndrome. Last evaluated: 2023-12-18. Review status: criteria provided, single submitter. Criteria: Ambry Variant Classification Scheme 2023. Collection method: clinical testing. Allele origin: germline.
Comment: The c.8082_8084delAGG variant (also known as p.G2695del) is located in coding exon 54 of the ATM gene. This variant results from an in-frame AGG deletion at nucleotide positions 8082 to 8084. This results in the in-frame deletion of a glycine at codon 2695. This amino acid position is highly conserved in available vertebrate species. In addition, this alteration is predicted to be deleterious by in silico analysis (Choi Y et al. PLoS ONE. 2012; 7(10):e46688). Since supporting evidence is limited at this time, the clinical significance of this alteration remains unclear.

Women's Health and Genetics/Laboratory Corporation of America, LabCorp
Classification: Uncertain significance. Last evaluated: 2023-05-11. Review status: criteria provided, single submitter. Criteria: LabCorp Variant Classification Summary - May 2015. Collection method: clinical testing. Allele origin: germline.
Comment: Variant summary: ATM c.8082_8084delAGG (p.Gly2695del) results in an in-frame deletion that is predicted to remove one amino acid from the encoded protein. The variant was absent in 251276 control chromosomes (gnomAD). The available data on variant occurrences in the general population are insufficient to allow any conclusion about variant significance. To our knowledge, no occurrence of c.8082_8084delAGG in individuals affected with Ataxia-Telangiectasia and no experimental evidence demonstrating its impact on protein function have been reported. Three clinical diagnostic laboratories have submitted clinical-significance assessments for this variant to ClinVar after 2014, and all classified the variant as uncertain significance. Based on the evidence outlined above, the variant was classified as uncertain significance.

Natera, Inc.
Classification: Uncertain significance for Ataxia-telangiectasia. Last evaluated: 2020-09-24. Review status: no assertion criteria provided. Collection method: clinical testing. Allele origin: germline. Not counted in ClinVar's aggregate classification.